The following is an entry in ClinVar:

NM_004415.4(DSP):c.2472G>A (p.Leu824=)

Gene: DSP (desmoplakin; plus strand). Cytogenetic location: 6p24.3.
Variant type: single nucleotide variant.
Coding change: c.2472G>A on transcript NM_004415.4 (MANE Select); coding-DNA position 2472, G replaced by A.
Protein change: p.Leu824=; no amino-acid change (leucine 824 retained).
Molecular consequence: synonymous variant.
Genome position (GRCh38, 1-based): chr6:7,575,330, G>A. VCF-style: chr6-7575330-G-A. GRCh37 (hg19) VCF-style: chr6-7575563-G-A.
Other names: c.2472G>A (LRG_423t1); c.2472G>A, p.Leu824= (NM_001008844.3, NM_001319034.2).
Identifiers: ClinVar variation 534319 (VCV000534319.12), dbSNP rs763798166, ClinGen allele CA033595.

ClinVar aggregate classification (germline): Likely benign. Review status: criteria provided, multiple submitters, no conflicts (2 of 4 stars). 3 submissions from 3 submitters: Likely benign (3). Last evaluated 2023-05-30.

Conditions:
Cardiovascular phenotype. Identifiers: MedGen CN230736.
Arrhythmogenic cardiomyopathy with wooly hair and keratoderma. Also called: PALMOPLANTAR KERATODERMA WITH LEFT VENTRICULAR CARDIOMYOPATHY AND WOOLLY HAIR; Carvajal syndrome; Dilated cardiomyopathy with woolly hair and keratoderma; Arrhythmogenic cardiomyopathy with woolly hair and keratoderma. Identifiers: Orphanet 65282, MedGen C1854063, MONDO:0011581, OMIM 605676.
Arrhythmogenic right ventricular dysplasia 8 (ARVD8). Also called: Arrhythmogenic Right Ventricular Dysplasia/Cardiomyopathy 8; ARRHYTHMOGENIC RIGHT VENTRICULAR DYSPLASIA, FAMILIAL, 8; ARRHYTHMOGENIC RIGHT VENTRICULAR CARDIOMYOPATHY 8. Identifiers: MedGen C1843896, MONDO:0011831, OMIM 607450.

Allele frequency attached by ClinVar (database versions not stated): gnomAD exomes below 0.00001; ExAC 0.00001; gnomAD 0.00001.
gnomAD v4.1: 1 of 1,613,192 alleles (0.000062%); highest among the groups gnomAD compares: Non-Finnish European, 0.000085%; no homozygotes.

Submissions (3):

All of Us Research Program, National Institutes of Health
Classification: Likely benign for Arrhythmogenic cardiomyopathy with wooly hair and keratoderma. Last evaluated: 2023-05-30. Review status: criteria provided, single submitter. Criteria: ACMG Guidelines, 2015. Collection method: clinical testing. Allele origin: germline. Inheritance: Autosomal dominant inheritance. Observed: 1 variant allele, 1 heterozygote.
Comment: This study involves interpretation of variants in research participants for the purpose of population health screening. Participant phenotype was not available at the time of variant classification. Additional details can be found in publication PMID: 35346344, PMCID: PMC8962531

Labcorp Genetics (formerly Invitae), Labcorp
Classification: Likely benign for Arrhythmogenic cardiomyopathy with wooly hair and keratoderma; Arrhythmogenic right ventricular dysplasia 8. Last evaluated: 2021-06-15. Review status: criteria provided, single submitter. Criteria: Invitae Variant Classification Sherloc (09022015). Collection method: clinical testing. Allele origin: germline.

Ambry Genetics
Classification: Likely benign for Cardiovascular phenotype. Last evaluated: 2021-02-02. Review status: criteria provided, single submitter. Criteria: Ambry Variant Classification Scheme 2023. Collection method: clinical testing. Allele origin: germline.